The following is an entry in ClinVar:

ClinVar aggregate classification (germline): Uncertain significance. Review status: criteria provided, multiple submitters, no conflicts (2 of 4 stars). 2 submissions from 2 submitters: Uncertain significance (2). Last evaluated 2022-07-25.

Conditions:
Peroxisome biogenesis disorder, complementation group K (CGK). Identifiers: MedGen C1866257, MONDO:0800365.

Submissions (2):

Labcorp Genetics (formerly Invitae), Labcorp
Classification: Uncertain significance for Peroxisome biogenesis disorder, complementation group K. Last evaluated: 2022-07-25. Review status: criteria provided, single submitter. Criteria: Invitae Variant Classification Sherloc (09022015). Collection method: clinical testing. Allele origin: germline.
Comment: This sequence change replaces alanine, which is neutral and non-polar, with serine, which is neutral and polar, at codon 370 of the PEX14 protein (p.Ala370Ser). This variant is not present in population databases (gnomAD no frequency). This variant has not been reported in the literature in individuals affected with PEX14-related conditions. ClinVar contains an entry for this variant (Variation ID: 595186). Algorithms developed to predict the effect of missense changes on protein structure and function are either unavailable or do not agree on the potential impact of this missense change (SIFT: "Tolerated"; PolyPhen-2: "Probably Damaging"; Align-GVGD: "Class C0"). In summary, the available evidence is currently insufficient to determine the role of this variant in disease. Therefore, it has been classified as a Variant of Uncertain Significance.

Eurofins Ntd Llc (ga)
Classification: Uncertain significance. Last evaluated: 2017-11-29. Review status: criteria provided, single submitter. Criteria: EGL Classification Definitions 2015. Collection method: clinical testing. Allele origin: germline. Observed: 1 variant allele, 1 heterozygote.

NM_004565.3(PEX14):c.1108G>T (p.Ala370Ser)

Gene: PEX14 (peroxisomal biogenesis factor 14; plus strand). Cytogenetic location: 1p36.22.
Variant type: single nucleotide variant.
Coding change: c.1108G>T on transcript NM_004565.3 (MANE Select); coding-DNA position 1108, G replaced by T.
Protein change: p.Ala370Ser; replaces alanine 370 with serine.
Molecular consequence: missense variant.
Genome position (GRCh38, 1-based): chr1:10,629,961, G>T. VCF-style: chr1-10629961-G-T. GRCh37 (hg19) VCF-style: chr1-10690018-G-T.
Other names: short protein forms A370S.
Identifiers: ClinVar variation 595186 (VCV000595186.10), dbSNP rs1557443140, ClinGen allele CA338340070.